The following is an entry in ClinVar:

ClinVar aggregate classification (germline): Uncertain significance (1 of 4 stars; one submission).

Allele frequency attached by ClinVar (database versions not stated): gnomAD exomes below 0.00001; TOPMed below 0.00001; ExAC 0.00001; gnomAD 0.00001; ESP Exome Variant Server 0.00008.
gnomAD v4.1: 5 of 1,614,070 alleles (0.00031%); highest among the groups gnomAD compares: East Asian, 0.0022%; no homozygotes.

Submission:

GeneDx
Classification: Uncertain significance. Last evaluated: 2023-11-20. Review status: criteria provided, single submitter. Criteria: GeneDx Variant Classification Process June 2021. Collection method: clinical testing. Allele origin: germline. Affected: yes.
Comment: Not observed at significant frequency in large population cohorts (gnomAD); In silico analysis supports that this missense variant has a deleterious effect on protein structure/function; Has not been previously published as pathogenic or benign to our knowledge

NM_001020658.2(PUM1):c.2026G>A (p.Gly676Arg)

Gene: PUM1 (pumilio RNA binding family member 1; minus strand). Cytogenetic location: 1p35.2.
Variant type: single nucleotide variant.
Coding change: c.2026G>A on transcript NM_001020658.2 (MANE Select); coding-DNA position 2026, G replaced by A.
Protein change: p.Gly676Arg; replaces glycine 676 with arginine.
Molecular consequence: missense variant.
Genome position (GRCh38, 1-based): chr1:30,966,042, C>T on the plus strand (G>A on the coding strand, the complement: PUM1 is on the minus strand). VCF-style: chr1-30966042-C-T. GRCh37 (hg19) VCF-style: chr1-31438889-C-T.
Other names: c.2026G>A, p.Gly676Arg (NM_014676.3); short protein forms G676R.
Identifiers: ClinVar variation 3253296 (VCV003253296.1), dbSNP rs370113450.